The following is an entry in ClinVar:

ClinVar aggregate classification (germline): Conflicting classifications of pathogenicity. Review status: criteria provided, conflicting classifications (1 of 4 stars). 11 submissions from 11 submitters: Uncertain significance (4); Likely benign (7). Last evaluated 2026-05-26.

Conditions:
Familial thoracic aortic aneurysm and aortic dissection (TAAD). Also called: Thoracic aortic aneurysms and dissections. Identifiers: Orphanet 91387, MedGen C4707243, MONDO:0019625.
Congenital contractural arachnodactyly (CCA). Also called: Beals-Hecht syndrome; BEALS SYNDROME; Arthrogryposis, distal, type 9. Identifiers: Orphanet 115, MedGen C0220668, MONDO:0007363, OMIM 121050.
Macular degeneration, early-onset (EOMD). Identifiers: MedGen C4015286, MONDO:0014501, OMIM 616118.
Ehlers-Danlos syndrome (EDS). Identifiers: Orphanet 98249, MedGen C0013720, MONDO:0020066.

Allele frequency attached by ClinVar (database versions not stated): gnomAD 0.00008 and 0.00009; gnomAD exomes 0.00013; ExAC 0.00015; TOPMed 0.00017; ESP Exome Variant Server 0.00031.
gnomAD v4.1: 211 of 1,613,430 alleles (0.013%); highest among the groups gnomAD compares: Non-Finnish European, 0.017%; no homozygotes.

Submissions (11):

Women's Health and Genetics/Laboratory Corporation of America, LabCorp
Classification: Likely benign. Last evaluated: 2026-05-26. Review status: criteria provided, single submitter. Criteria: LabCorp Variant Classification Summary - May 2015. Collection method: clinical testing. Allele origin: germline.
Comment: Variant summary: FBN2 c.8376C>G (p.Ile2792Met) results in a conservative amino acid change in the encoded protein sequence. Algorithms developed to predict the effect of missense changes on protein structure and function all suggest that this variant is likely to be tolerated. The variant allele was found at a frequency of 0.00013 in 250986 control chromosomes, predominantly at a frequency of 0.00026 within the Non-Finnish European subpopulation in the gnomAD database. The observed variant frequency within Non-Finnish European control individuals in the gnomAD database exceeds the estimated maximal expected allele frequency for disease-causing variants in FBN2. c.8376C>G has been observed in individual(s) affected with FBN2-related conditions (Richter_2019). These report(s) do not provide unequivocal conclusions about association of the variant with disease. To our knowledge, no experimental evidence demonstrating an impact on protein function has been reported. The following publication have been ascertained in the context of this evaluation (PMID: 31096651). ClinVar contains an entry for this variant (Variation ID: 350759). Based on the evidence outlined above, the variant was classified as likely benign.

Labcorp Genetics (formerly Invitae), Labcorp
Classification: Likely benign for Congenital contractural arachnodactyly. Last evaluated: 2026-02-01. Review status: criteria provided, single submitter. Criteria: Invitae Variant Classification Sherloc (09022015). Collection method: clinical testing. Allele origin: germline.

GeneDx
Classification: Uncertain significance. Last evaluated: 2025-05-21. Review status: criteria provided, single submitter. Criteria: GeneDx Variant Classification Process June 2021. Collection method: clinical testing. Allele origin: germline. Affected: yes.
Comment: In silico analysis suggests that this missense variant does not alter protein structure/function; This variant is associated with the following publications: (PMID: 31096651, 18767143, 19006240)

Laboratory of Genetics, Children's Clinical University Hospital Latvia
Classification: Likely benign. Last evaluated: 2025-02-16. Review status: criteria provided, single submitter. Criteria: ACMG Guidelines, 2015. Collection method: clinical testing. Allele origin: germline. Affected: yes.

CeGaT Center for Human Genetics Tuebingen
Classification: Likely benign. Last evaluated: 2025-01-01. Review status: criteria provided, single submitter. Criteria: CeGaT Center For Human Genetics Tuebingen Variant Classification Criteria Version 2. Collection method: clinical testing. Allele origin: germline. Affected: yes. Observed: 3 variant alleles.
Comment: FBN2: BP4

ARUP Laboratories, Molecular Genetics and Genomics, ARUP Laboratories
Classification: Uncertain significance. Last evaluated: 2024-11-22. Review status: criteria provided, single submitter. Criteria: ARUP Molecular Germline Variant Investigation Process 2024. Collection method: clinical testing. Allele origin: germline.
Comment: The FBN2 c.8376C>G; p.Ile2792Met variant (rs142747169; ClinVar ID: 350759) is reported in the literature in an individual with a suspected connective tissue disorder, although it was not demonstrated to cause disease (Richter 2019). This variant is found in the non-Finnish European population with an allele frequency of 0.02% (31/128,736 alleles) in the Genome Aggregation Database (v2.1.1). Computational analyses are uncertain whether this variant is neutral or deleterious (REVEL: 0.176). Due to limited information, the clinical significance of this variant is uncertain at this time. References: Richter JE et al. Genomic Observations of a Rare/Pathogenic SMAD3 Variant in Loeys-Dietz Syndrome 3 Confirmed by Protein Informatics and Structural Investigations. Medicina (Kaunas). 2019 May 15;55(5):137. PMID: 31096651.

Blueprint Genetics
Classification: Likely benign. Last evaluated: 2024-11-22. Review status: criteria provided, single submitter. Criteria: ACMG Guidelines, 2015. Collection method: clinical testing. Allele origin: germline.

Ambry Genetics
Classification: Uncertain significance for Familial thoracic aortic aneurysm and aortic dissection. Last evaluated: 2024-02-29. Review status: criteria provided, single submitter. Criteria: Ambry Variant Classification Scheme 2023. Collection method: clinical testing. Allele origin: germline.
Comment: The p.I2792M variant (also known as c.8376C>G), located in coding exon 65 of the FBN2 gene, results from a C to G substitution at nucleotide position 8376. The isoleucine at codon 2792 is replaced by methionine, an amino acid with highly similar properties, and is located in the fibulin-like domain. This variant was detected in an individual with aortic aneurysm, additional features of a connective tissue disorder, and osteoarthritis; however, the individual also had variants in other connective tissue-related genes (Richter JE et al. Medicina (Kaunas), 2019 05;55(5)). This variant has also been detected in an exome sequencing cohort not selected for the presence of cardiovascular disorders; however, details were limited (Middha S. Front Genet. 2015 Jul;6:244). This amino acid position is not well conserved in available vertebrate species. In addition, this alteration is predicted to be tolerated by in silico analysis. Since supporting evidence is limited at this time, the clinical significance of this alteration remains unclear.

Fulgent Genetics
Classification: Uncertain significance for Congenital contractural arachnodactyly; Macular degeneration, early-onset. Last evaluated: 2018-10-31. Review status: criteria provided, single submitter. Criteria: ACMG Guidelines, 2015. Collection method: clinical testing. Allele origin: unknown.

Genome Diagnostics Laboratory, The Hospital for Sick Children
Classification: Likely benign for Ehlers-Danlos syndrome. Last evaluated: 2018-09-01. Review status: criteria provided, single submitter. Criteria: ACMG Guidelines, 2015. Collection method: clinical testing. Allele origin: germline.

Illumina Laboratory Services, Illumina
Classification: Likely benign for Congenital contractural arachnodactyly. Last evaluated: 2018-01-12. Review status: criteria provided, single submitter. Criteria: ICSL Variant Classification Criteria 13 December 2019. Collection method: clinical testing. Allele origin: germline.
Comment: This variant was observed in the ICSL laboratory as part of a predisposition screen in an ostensibly healthy population. It had not been previously curated by ICSL or reported in the Human Gene Mutation Database (HGMD: prior to June 1st, 2018), and was therefore a candidate for classification through an automated scoring system. Utilizing variant allele frequency, disease prevalence and penetrance estimates, and inheritance mode, an automated score was calculated to assess if this variant is too frequent to cause the disease. Based on the score and internal cut-off values, a variant classified as likely benign is not then subjected to further curation. The score for this variant resulted in a classification of likely benign for this disease.

Literature cited by the submitters: PubMed 31096651 (cited by Women's Health and Genetics/Laboratory Corporation of America, LabCorp and Ambry Genetics); PubMed 26257771 (cited by Ambry Genetics).

NM_001999.4(FBN2):c.8376C>G (p.Ile2792Met)

Gene: FBN2 (fibrillin 2; minus strand). Cytogenetic location: 5q23.3.
Variant type: single nucleotide variant.
Coding change: c.8376C>G on transcript NM_001999.4 (MANE Select); coding-DNA position 8376, C replaced by G.
Protein change: p.Ile2792Met; replaces isoleucine 2792 with methionine.
Molecular consequence: missense variant.
Genome position (GRCh38, 1-based): chr5:128,259,818, G>C on the plus strand (C>G on the coding strand, the complement: FBN2 is on the minus strand). VCF-style: chr5-128259818-G-C. GRCh37 (hg19) VCF-style: chr5-127595510-G-C.
Other names: short protein forms I2792M.
Identifiers: ClinVar variation 350759 (VCV000350759.72), dbSNP rs142747169, ClinGen allele CA3393820.